The following is an entry in ClinVar:

NC_000017.10:g.(?_48264825)_(48278894_?)dup

Genes: COL1A1 (collagen type I alpha 1 chain; minus strand), LOC126862586 (CDK7 strongly-dependent group 2 enhancer GRCh37_chr17:48273702-48274901; plus strand), LOC130061152 (ATAC-STARR-seq lymphoblastoid silent region 8689; plus strand), LOC130061153 (ATAC-STARR-seq lymphoblastoid silent region 8690; plus strand), LOC130061154 (ATAC-STARR-seq lymphoblastoid silent region 8691; plus strand). Cytogenetic location: 17q21.33.
Variant type: Duplication.
Identifiers: ClinVar variation 526879 (VCV000526879.2).

ClinVar aggregate classification (germline): Uncertain significance (1 of 4 stars; one submission).

Conditions:
Osteogenesis imperfecta type I (OI1). Also called: Osteogenesis imperfecta type 1; OI, TYPE I; OSTEOGENESIS IMPERFECTA TARDA; OSTEOGENESIS IMPERFECTA WITH BLUE SCLERAE; Lobstein's Disease; Lobstein disease. Identifiers: Orphanet 216796, Orphanet 666, MedGen C0023931, MONDO:0008146, OMIM 166200. Disease mechanism: loss of function.

Submission:

Labcorp Genetics (formerly Invitae), Labcorp
Classification: Uncertain significance for Osteogenesis imperfecta type I. Last evaluated: 2017-10-25. Review status: criteria provided, single submitter. Criteria: Invitae Variant Classification Sherloc (09022015). Collection method: clinical testing. Allele origin: germline.
Comment: This variant is a gross duplication of the genomic region encompassing exons 1-46 of the COL1A1 gene. The 5' end of this event is unknown as it extends beyond the assayed region for this gene and therefore may encompass additional genes. The 3' boundary is likely confined to intron 46 of the COL1A1 gene. Duplication of exons 1-46 has not been reported in the literature in an individual with a COL1A1-related disease. In summary, the exact genomic location of this variant is unknown and the impact of this duplication on COL1A1 protein function has not been established. Therefore, it has been classified as a Variant of Uncertain Significance.